The following is an entry in ClinVar:

ClinVar aggregate classification (germline): Benign/Likely benign. Review status: criteria provided, multiple submitters, no conflicts (2 of 4 stars). 3 submissions from 3 submitters: Benign (1); Likely benign (1). 1 of the submissions does not count toward it. Last evaluated 2025-10-05.

Conditions:
TIMP3-related disorder. Also called: TIMP3-related condition.

Allele frequency attached by ClinVar (database versions not stated): gnomAD 0.00006 and 0.00018; TOPMed 0.00011; gnomAD exomes 0.00022 and 0.00043; ExAC 0.00057; 1000 Genomes Project 30x 0.00062; 1000 Genomes Project 0.00080.
gnomAD v4.1: 352 of 1,614,156 alleles (0.022%); highest among the groups gnomAD compares: South Asian, 0.35%; 4 homozygotes.

Submissions (3):

Labcorp Genetics (formerly Invitae), Labcorp
Classification: Benign. Last evaluated: 2025-10-05. Review status: criteria provided, single submitter. Criteria: Invitae Variant Classification Sherloc (09022015). Collection method: clinical testing. Allele origin: germline.

Blueprint Genetics
Classification: Likely benign. Last evaluated: 2023-10-19. Review status: criteria provided, single submitter. Criteria: ACMG Guidelines, 2015. Collection method: clinical testing. Allele origin: germline.

PreventionGenetics, part of Exact Sciences
Classification: Likely benign for TIMP3-related condition. Last evaluated: 2019-04-09. Review status: no assertion criteria provided. Collection method: clinical testing. Allele origin: germline. Not counted in ClinVar's aggregate classification.
Comment: This variant is classified as likely benign based on ACMG/AMP sequence variant interpretation guidelines (Richards et al. 2015 PMID: 25741868, with internal and published modifications).

NM_000362.5(TIMP3):c.360C>T (p.Phe120=)

Genes: SYN3 (synapsin III; minus strand), TIMP3 (TIMP metallopeptidase inhibitor 3; plus strand). Cytogenetic location: 22q12.3.
Variant type: single nucleotide variant.
Coding change: c.360C>T on transcript NM_000362.5 (MANE Select); coding-DNA position 360, C replaced by T.
Protein change: p.Phe120=; no amino-acid change (phenylalanine 120 retained).
Molecular consequence: synonymous variant. On other transcripts: intron variant (7).
Genome position (GRCh38, 1-based): chr22:32,858,060, C>T. VCF-style: chr22-32858060-C-T. GRCh37 (hg19) VCF-style: chr22-33254047-C-T.
Other names: c.708+6855G>A (NM_001369909.1, NM_001135774.2, NM_001369910.1); c.711+6855G>A (NM_001369907.1, NM_003490.4, NM_001369908.1 and 1 more transcripts).
Identifiers: ClinVar variation 1170518 (VCV001170518.12), dbSNP rs563656481, ClinGen allele CA10202240.